The following is an entry in ClinVar:

NM_020745.4(AARS2):c.2188G>A (p.Val730Met)

Gene: AARS2 (alanyl-tRNA synthetase 2, mitochondrial; minus strand). Cytogenetic location: 6p21.1.
Variant type: single nucleotide variant.
Coding change: c.2188G>A on transcript NM_020745.4 (MANE Select); coding-DNA position 2188, G replaced by A.
Protein change: p.Val730Met; replaces valine 730 with methionine.
Molecular consequence: missense variant.
Genome position (GRCh38, 1-based): chr6:44,303,133, C>T on the plus strand (G>A on the coding strand, the complement: AARS2 is on the minus strand). VCF-style: chr6-44303133-C-T. GRCh37 (hg19) VCF-style: chr6-44270870-C-T.
Other names: p.V730M:GTG>ATG; short protein forms V730M.
Identifiers: ClinVar variation 136214 (VCV000136214.19), dbSNP rs35623954, ClinGen allele CA289178.

ClinVar aggregate classification (germline): Benign. Review status: criteria provided, multiple submitters, no conflicts (2 of 4 stars). 6 submissions from 6 submitters: Benign (5). 1 of the submissions does not count toward it. Last evaluated 2026-02-01.

Conditions:
Combined oxidative phosphorylation defect type 8. Also called: CARDIOMYOPATHY, HYPERTROPHIC MITOCHONDRIAL, FATAL INFANTILE. Identifiers: Orphanet 319504, MedGen C4518839, MONDO:0013570, OMIM 614096.

Allele frequency attached by ClinVar (database versions not stated): 1000 Genomes Project 30x 0.01249; 1000 Genomes Project 0.01298; TOPMed 0.02569; ExAC 0.02965; gnomAD 0.03069 and 0.03189; ESP Exome Variant Server 0.03091; gnomAD exomes 0.03113 and 0.03965.
gnomAD v4.1: 62,337 of 1,614,086 alleles (3.9%); highest among the groups gnomAD compares: Non-Finnish European, 4.4%; 1,483 homozygotes.

Submissions (6):

Labcorp Genetics (formerly Invitae), Labcorp
Classification: Benign. Last evaluated: 2026-02-01. Review status: criteria provided, single submitter. Criteria: Invitae Variant Classification Sherloc (09022015). Collection method: clinical testing. Allele origin: germline.

Molecular Diagnostic Laboratory for Inherited Cardiovascular Disease, Montreal Heart Institute
Classification: Benign. Last evaluated: 2025-04-09. Review status: criteria provided, single submitter. Criteria: ACMG Guidelines, 2015. Collection method: clinical testing. Allele origin: germline. Affected: no.

Blueprint Genetics
Classification: Benign. Last evaluated: 2024-11-26. Review status: criteria provided, single submitter. Criteria: ACMG Guidelines, 2015. Collection method: clinical testing. Allele origin: germline.

Illumina Laboratory Services, Illumina
Classification: Benign for Combined oxidative phosphorylation defect type 8. Last evaluated: 2018-01-13. Review status: criteria provided, single submitter. Criteria: ICSL Variant Classification Criteria 13 December 2019. Collection method: clinical testing. Allele origin: germline.
Comment: This variant was observed in the ICSL laboratory as part of a predisposition screen in an ostensibly healthy population. It had not been previously curated by ICSL or reported in the Human Gene Mutation Database (HGMD: prior to June 1st, 2018), and was therefore a candidate for classification through an automated scoring system. Utilizing variant allele frequency, disease prevalence and penetrance estimates, and inheritance mode, an automated score was calculated to assess if this variant is too frequent to cause the disease. Based on the score and internal cut-off values, a variant classified as benign is not then subjected to further curation. The score for this variant resulted in a classification of benign for this disease.

GeneDx
Classification: Benign. Last evaluated: 2012-07-10. Review status: criteria provided, single submitter. Criteria: GeneDx Variant Classification (06012015). Collection method: clinical testing. Allele origin: germline. Affected: yes.
Comment: This variant is considered likely benign or benign based on one or more of the following criteria: it is a conservative change, it occurs at a poorly conserved position in the protein, it is predicted to be benign by multiple in silico algorithms, and/or has population frequency not consistent with disease.

Mayo Clinic Laboratories, Mayo Clinic
Classification: Likely benign. Last evaluated: 2016-02-23. Review status: no assertion criteria provided. Collection method: clinical testing. Allele origin: unknown. Not counted in ClinVar's aggregate classification.